The following is an entry in ClinVar:

ClinVar aggregate classification (germline): Uncertain significance (1 of 4 stars; one submission).

Conditions:
Familial focal epilepsy with variable foci (FPEVF). Identifiers: Orphanet 98820, MedGen C1858477, MONDO:0020310.

gnomAD v4.1: 1 of 1,614,114 alleles (0.000062%); highest among the groups gnomAD compares: Non-Finnish European, 0.000085%; no homozygotes.

Submission:

Labcorp Genetics (formerly Invitae), Labcorp
Classification: Uncertain significance for Familial focal epilepsy with variable foci. Last evaluated: 2021-01-08. Review status: criteria provided, single submitter. Criteria: Invitae Variant Classification Sherloc (09022015). Collection method: clinical testing. Allele origin: germline.
Comment: In summary, the available evidence is currently insufficient to determine the role of this variant in disease. Therefore, it has been classified as a Variant of Uncertain Significance. Algorithms developed to predict the effect of missense changes on protein structure and function are either unavailable or do not agree on the potential impact of this missense change (SIFT: "Tolerated"; PolyPhen-2: "Not Available"; Align-GVGD: "Class C0"). This variant has not been reported in the literature in individuals with DEPDC5-related conditions. This variant is not present in population databases (ExAC no frequency). This sequence change replaces serine with arginine at codon 491 of the DEPDC5 protein (p.Ser491Arg). The serine residue is weakly conserved and there is a moderate physicochemical difference between serine and arginine.

NM_001242896.3(DEPDC5):c.1471A>C (p.Ser491Arg)

Gene: DEPDC5 (DEP domain containing 5, GATOR1 subcomplex subunit; plus strand). Cytogenetic location: 22q12.3.
Variant type: single nucleotide variant.
Coding change: c.1471A>C on transcript NM_001242896.3 (MANE Select); coding-DNA position 1471, A replaced by C.
Protein change: p.Ser491Arg; replaces serine 491 with arginine.
Molecular consequence: missense variant. On other transcripts: non-coding transcript variant (5).
Genome position (GRCh38, 1-based): chr22:31,815,017, A>C. VCF-style: chr22-31815017-A-C. GRCh37 (hg19) VCF-style: chr22-32211003-A-C.
Other names: c.1471A>C, p.Ser491Arg (NM_001007188.4, NM_001136029.4, NM_001242897.2 and 7 more transcripts); c.1387A>C, p.Ser463Arg (NM_001369901.1, NM_001369902.1); short protein forms S491R, S463R.
Identifiers: ClinVar variation 1363359 (VCV001363359.8), dbSNP rs2148758633, ClinGen allele CA411277970.